The following is an entry in ClinVar:

ClinVar aggregate classification (germline): Uncertain significance (1 of 4 stars; one submission).

Submission:

GeneDx
Classification: Uncertain significance. Last evaluated: 2024-03-21. Review status: criteria provided, single submitter. Criteria: GeneDx Variant Classification Process June 2021. Collection method: clinical testing. Allele origin: germline. Affected: yes.
Comment: Not observed at significant frequency in large population cohorts (gnomAD); Frameshift variant predicted to result in protein truncation or nonsense mediated decay in a gene for which loss-of-function is not a known mechanism of disease; Has not been previously published as pathogenic or benign to our knowledge

NM_004958.4(MTOR):c.2050del (p.Asp684fs)

Gene: MTOR (mechanistic target of rapamycin kinase; minus strand). Cytogenetic location: 1p36.22.
Variant type: Deletion.
Coding change: c.2050del on transcript NM_004958.4 (MANE Select); coding-DNA position 2050, one base deleted (G; older notation c.2050delG).
Protein change: p.Asp684fs; shifts the reading frame from aspartic acid 684.
Molecular consequence: frameshift variant.
Genome position (GRCh38, 1-based): chr1:11,238,001, C deleted on the plus strand (G on the coding strand, the reverse complement: MTOR is on the minus strand). VCF-style (leftmost placement, unchanged base first): chr1-11238000-TC-T. GRCh37 (hg19) VCF-style: chr1-11298057-TC-T.
Other names: c.2050del, p.Asp684fs (NM_001386500.1); c.802del, p.Asp268fs (NM_001386501.1); c.2050delG, p.Asp684Metfs (NM_004958.3); short protein forms D268fs, D684fs.
Identifiers: ClinVar variation 3371127 (VCV003371127.1).